The following is an entry in ClinVar:

NM_000218.3(KCNQ1):c.345G>C (p.Glu115Asp)

Gene: KCNQ1 (potassium voltage-gated channel subfamily Q member 1; plus strand). Cytogenetic location: 11p15.5.
Variant type: single nucleotide variant.
Coding change: c.345G>C on transcript NM_000218.3 (MANE Select); coding-DNA position 345, G replaced by C.
Protein change: p.Glu115Asp; replaces glutamic acid 115 with aspartic acid.
Molecular consequence: missense variant.
Genome position (GRCh38, 1-based): chr11:2,445,443, G>C. VCF-style: chr11-2445443-G-C. GRCh37 (hg19) VCF-style: chr11-2466673-G-C.
Other names: short protein forms E115D.
Identifiers: ClinVar variation 1343280 (VCV001343280.1), dbSNP rs758960211, ClinGen allele CA379117608.

ClinVar aggregate classification (germline): Uncertain significance (1 of 4 stars; one submission).

Submission:

Institute of Human Genetics, Clinical Exome/Genome Diagnostics Group, University Hospital Bonn
Classification: Uncertain significance. Last evaluated: 2022-02-01. Review status: criteria provided, single submitter. Criteria: ACMG Guidelines, 2015. Collection method: clinical testing. Allele origin: germline.
Comment: PM2, PM5, PP3